The following is an entry in ClinVar:

ClinVar aggregate classification (germline): Uncertain significance (1 of 4 stars; one submission).

gnomAD v4.1: 1 of 1,172,952 alleles (0.000085%); highest among the groups gnomAD compares: Non-Finnish European, 0.00011%; no homozygotes.

Submission:

Labcorp Genetics (formerly Invitae), Labcorp
Classification: Uncertain significance. Last evaluated: 2024-07-06. Review status: criteria provided, single submitter. Criteria: Invitae Variant Classification Sherloc (09022015). Collection method: clinical testing. Allele origin: germline.
Comment: This sequence change replaces proline, which is neutral and non-polar, with alanine, which is neutral and non-polar, at codon 1090 of the GRIN2D protein (p.Pro1090Ala). The frequency data for this variant in the population databases is considered unreliable, as metrics indicate insufficient coverage at this position in the gnomAD database. This variant has not been reported in the literature in individuals affected with GRIN2D-related conditions. Advanced modeling of protein sequence and biophysical properties (such as structural, functional, and spatial information, amino acid conservation, physicochemical variation, residue mobility, and thermodynamic stability) performed at Invitae indicates that this missense variant is not expected to disrupt GRIN2D protein function with a negative predictive value of 95%. In summary, the available evidence is currently insufficient to determine the role of this variant in disease. Therefore, it has been classified as a Variant of Uncertain Significance.

NM_000836.4(GRIN2D):c.3268C>G (p.Pro1090Ala)

Gene: GRIN2D (glutamate ionotropic receptor NMDA type subunit 2D; plus strand). Cytogenetic location: 19q13.33.
Variant type: single nucleotide variant.
Coding change: c.3268C>G on transcript NM_000836.4 (MANE Select); coding-DNA position 3268, C replaced by G.
Protein change: p.Pro1090Ala; replaces proline 1090 with alanine.
Molecular consequence: missense variant.
Genome position (GRCh38, 1-based): chr19:48,443,194, C>G. VCF-style: chr19-48443194-C-G. GRCh37 (hg19) VCF-style: chr19-48946451-C-G.
Other names: short protein forms P1090A.
Identifiers: ClinVar variation 3636285 (VCV003636285.2).